The following is an entry in ClinVar:

ClinVar aggregate classification (germline): Likely benign. Review status: criteria provided, multiple submitters, no conflicts (2 of 4 stars). 3 submissions from 3 submitters: Likely benign (2). 1 of the submissions does not count toward it. Last evaluated 2026-01-06.

Conditions:
TTPA-related disorder. Also called: TTPA-related condition.

Allele frequency attached by ClinVar (database versions not stated): gnomAD 0.00001 and 0.00003; 1000 Genomes Project 30x 0.00031; ExAC 0.00046.
gnomAD v4.1: 76 of 1,530,008 alleles (0.005%); highest among the groups gnomAD compares: South Asian, 0.084%; no homozygotes.

Submissions (3):

Labcorp Genetics (formerly Invitae), Labcorp
Classification: Likely benign. Last evaluated: 2026-01-06. Review status: criteria provided, single submitter. Criteria: Invitae Variant Classification Sherloc (09022015). Collection method: clinical testing. Allele origin: germline.

Blueprint Genetics
Classification: Likely benign. Last evaluated: 2021-12-07. Review status: criteria provided, single submitter. Criteria: ACMG Guidelines, 2015. Collection method: clinical testing. Allele origin: germline.

PreventionGenetics, part of Exact Sciences
Classification: Likely benign for TTPA-related condition. Last evaluated: 2019-02-25. Review status: no assertion criteria provided. Collection method: clinical testing. Allele origin: germline. Not counted in ClinVar's aggregate classification.
Comment: This variant is classified as likely benign based on ACMG/AMP sequence variant interpretation guidelines (Richards et al. 2015 PMID: 25741868, with internal and published modifications).

NM_000370.3(TTPA):c.126C>T (p.Leu42=)

Gene: TTPA (alpha tocopherol transfer protein; minus strand). Cytogenetic location: 8q12.3.
Variant type: single nucleotide variant.
Coding change: c.126C>T on transcript NM_000370.3 (MANE Select); coding-DNA position 126, C replaced by T.
Protein change: p.Leu42=; no amino-acid change (leucine 42 retained).
Molecular consequence: synonymous variant.
Genome position (GRCh38, 1-based): chr8:63,085,896, G>A on the plus strand (C>T on the coding strand, the complement: TTPA is on the minus strand). VCF-style: chr8-63085896-G-A. GRCh37 (hg19) VCF-style: chr8-63998455-G-A.
Identifiers: ClinVar variation 1088140 (VCV001088140.12), dbSNP rs763889339, ClinGen allele CA4763315.